The following is an entry in ClinVar:

NM_003924.4(PHOX2B):c.515C>T (p.Ser172Leu)

Gene: PHOX2B (paired like homeobox 2B; minus strand). Cytogenetic location: 4p13.
Variant type: single nucleotide variant.
Coding change: c.515C>T on transcript NM_003924.4 (MANE Select); coding-DNA position 515, C replaced by T.
Protein change: p.Ser172Leu; replaces serine 172 with leucine.
Molecular consequence: missense variant.
Genome position (GRCh38, 1-based): chr4:41,746,237, G>A on the plus strand (C>T on the coding strand, the complement: PHOX2B is on the minus strand). VCF-style: chr4-41746237-G-A. GRCh37 (hg19) VCF-style: chr4-41748254-G-A.
Other names: short protein forms S172L.
Identifiers: ClinVar variation 578931 (VCV000578931.11), dbSNP rs1560465736, ClinGen allele CA356738403.

ClinVar aggregate classification (germline): Uncertain significance. Review status: criteria provided, multiple submitters, no conflicts (2 of 4 stars). 2 submissions from 2 submitters: Uncertain significance (2). Last evaluated 2023-08-02.

Conditions:
Hereditary cancer-predisposing syndrome. Also called: Neoplastic Syndromes, Hereditary; Tumor predisposition; Hereditary neoplastic syndrome; Hereditary Cancer Syndrome. Identifiers: Orphanet 140162, MedGen C0027672, MeSH D009386, MONDO:0015356.
Haddad syndrome (OHD). Also called: Ondine-Hirschsprung disease. Identifiers: Orphanet 99803, MedGen C1859049, MONDO:0020493.

Allele frequency attached by ClinVar (database versions not stated): TOPMed below 0.00001.

Submissions (2):

Ambry Genetics
Classification: Uncertain significance for Hereditary cancer-predisposing syndrome. Last evaluated: 2023-08-02. Review status: criteria provided, single submitter. Criteria: Ambry Variant Classification Scheme 2023. Collection method: clinical testing. Allele origin: germline.
Comment: The p.S172L variant (also known as c.515C>T), located in coding exon 3 of the PHOX2B gene, results from a C to T substitution at nucleotide position 515. The serine at codon 172 is replaced by leucine, an amino acid with dissimilar properties. This amino acid position is conserved. In addition, this alteration is predicted to be tolerated by in silico analysis. Since supporting evidence is limited at this time, the clinical significance of this alteration remains unclear.

Labcorp Genetics (formerly Invitae), Labcorp
Classification: Uncertain significance for Haddad syndrome. Last evaluated: 2020-09-17. Review status: criteria provided, single submitter. Criteria: Invitae Variant Classification Sherloc (09022015). Collection method: clinical testing. Allele origin: germline.
Comment: This variant is not present in population databases (ExAC no frequency). This variant has not been reported in the literature in individuals with PHOX2B-related disease. In summary, the available evidence is currently insufficient to determine the role of this variant in disease. Therefore, it has been classified as a Variant of Uncertain Significance. This sequence change replaces serine with leucine at codon 172 of the PHOX2B protein (p.Ser172Leu). The serine residue is highly conserved and there is a large physicochemical difference between serine and leucine.